The following is an entry in ClinVar:

ClinVar aggregate classification (germline): Uncertain significance. Review status: criteria provided, multiple submitters, no conflicts (2 of 4 stars). 2 submissions from 2 submitters: Uncertain significance (2). Last evaluated 2024-03-29.

Conditions:
Inborn genetic diseases. Identifiers: MedGen C0950123, MeSH D030342.
Hyperekplexia 2 (HKPX2). Identifiers: Orphanet 3197, MedGen C3553291, MONDO:0013828, OMIM 614619.

Allele frequency attached by ClinVar (database versions not stated): gnomAD exomes below 0.00001; gnomAD 0.00001; TOPMed 0.00001.
gnomAD v4.1: 6 of 1,613,048 alleles (0.00037%); highest among the groups gnomAD compares: Non-Finnish European, 0.00051%; no homozygotes.

Submissions (2):

Ambry Genetics
Classification: Uncertain significance for Inborn genetic diseases. Last evaluated: 2024-03-29. Review status: criteria provided, single submitter. Criteria: Ambry Variant Classification Scheme 2023. Collection method: clinical testing. Allele origin: germline.

Labcorp Genetics (formerly Invitae), Labcorp
Classification: Uncertain significance for Hyperekplexia 2. Last evaluated: 2022-02-11. Review status: criteria provided, single submitter. Criteria: Invitae Variant Classification Sherloc (09022015). Collection method: clinical testing. Allele origin: germline.
Comment: This sequence change replaces serine, which is neutral and polar, with leucine, which is neutral and non-polar, at codon 305 of the GLRB protein (p.Ser305Leu). This variant is present in population databases (no rsID available, gnomAD 0.004%). This variant has not been reported in the literature in individuals affected with GLRB-related conditions. Advanced modeling of protein sequence and biophysical properties (such as structural, functional, and spatial information, amino acid conservation, physicochemical variation, residue mobility, and thermodynamic stability) performed at Invitae indicates that this missense variant is expected to disrupt GLRB protein function. In summary, the available evidence is currently insufficient to determine the role of this variant in disease. Therefore, it has been classified as a Variant of Uncertain Significance.

NM_000824.5(GLRB):c.914C>T (p.Ser305Leu)

Gene: GLRB (glycine receptor beta; plus strand). Cytogenetic location: 4q32.1.
Variant type: single nucleotide variant.
Coding change: c.914C>T on transcript NM_000824.5 (MANE Select); coding-DNA position 914, C replaced by T.
Protein change: p.Ser305Leu; replaces serine 305 with leucine.
Molecular consequence: missense variant. On other transcripts: intron variant (1).
Genome position (GRCh38, 1-based): chr4:157,152,727, C>T. VCF-style: chr4-157152727-C-T. GRCh37 (hg19) VCF-style: chr4-158073879-C-T.
Other names: c.914C>T, p.Ser305Leu (NM_001166060.2); c.904+8768C>T (NM_001166061.2); c.914C>T (NM_000824.4); short protein forms S305L.
Identifiers: ClinVar variation 1379942 (VCV001379942.4), dbSNP rs1024033857, ClinGen allele CA109165630.